The following is an entry in ClinVar:

NM_001002010.5(NT5C3A):c.581T>G (p.Val194Gly)

Gene: NT5C3A (5'-nucleotidase, cytosolic IIIA; minus strand). Cytogenetic location: 7p14.3.
Variant type: single nucleotide variant.
Coding change: c.581T>G on transcript NM_001002010.5 (MANE Select); coding-DNA position 581, T replaced by G.
Protein change: p.Val194Gly; replaces valine 194 with glycine.
Molecular consequence: missense variant.
Genome position (GRCh38, 1-based): chr7:33,017,551, A>C on the plus strand (T>G on the coding strand, the complement: NT5C3A is on the minus strand). VCF-style: chr7-33017551-A-C. GRCh37 (hg19) VCF-style: chr7-33057163-A-C.
Other names: p.Val194Gly; c.479T>G, p.Val160Gly (NM_001002009.3, NM_016489.14); c.443T>G, p.Val148Gly (NM_001166118.3, NM_001356996.3, NM_001374336.1 and 1 more transcripts); c.482T>G, p.Val161Gly (NM_001374335.1); c.581T>G, p.Val194Gly (NM_001374338.1); c.380T>G, p.Val127Gly (NM_001374339.1); short protein forms V127G, V148G, V160G, V161G, V194G.
Identifiers: ClinVar variation 2682970 (VCV002682970.1), dbSNP rs2534679782, ClinGen allele CA367191973.
Genomic context (GRCh38, chr7:33,017,551, plus strand): 5'-ACACCAGCTTGACGAATAACTTCCTCTAGTACATCGCCGATTCCAGCCGAAAATATGAAC[A>C]CGGGGATGCTATGTTGTTGGAGCTTATCAAAGAAATTCTCATATCCTTCTCTGTAAGATG-3'
Protein context (NP_001002010.2, residues 184-204): FDKLQQHSIP[Val194Gly]FIFSAGIGDV

ClinVar aggregate classification (germline): Uncertain significance (1 of 4 stars; one submission).

Submission:

Mayo Clinic Laboratories, Mayo Clinic
Classification: Uncertain significance. Last evaluated: 2023-05-03. Review status: criteria provided, single submitter. Criteria: ACMG Guidelines, 2015. Collection method: clinical testing. Allele origin: germline. Observed: 1 variant allele.
Comment: PP3, PM2